The following is an entry in ClinVar:

NM_024592.5(SRD5A3):c.851T>G (p.Val284Gly)

Genes: SRD5A3 (steroid 5 alpha-reductase 3; plus strand), SRD5A3-AS1 (SRD5A3 antisense RNA 1; minus strand). Cytogenetic location: 4q12.
Variant type: single nucleotide variant.
Coding change: c.851T>G on transcript NM_024592.5 (MANE Select); coding-DNA position 851, T replaced by G.
Protein change: p.Val284Gly; replaces valine 284 with glycine.
Molecular consequence: missense variant.
Genome position (GRCh38, 1-based): chr4:55,369,985, T>G. VCF-style: chr4-55369985-T-G. GRCh37 (hg19) VCF-style: chr4-56236152-T-G.
Other names: short protein forms V284G.
Identifiers: ClinVar variation 1306193 (VCV001306193.2), dbSNP rs746726949, ClinGen allele CA356958349.
Genomic context (GRCh38, chr4:55,369,985, plus strand): 5'-TTTCCATGGCCGTCACCTTTGGGTTCCACAACTTAACTTGGTGGCTAGTGGTGACAAATG[T>G]CTTCTTTAATCAGGCCCTGTCTGCCTTTCTCAGCCACCAATTCTACAAAAGCAAATTTGT-3'
Protein context (NP_078868.1, residues 274-294): NLTWWLVVTN[Val284Gly]FFNQALSAFL

ClinVar aggregate classification (germline): Uncertain significance (1 of 4 stars; one submission).

gnomAD v4.1: 1 of 1,614,172 alleles (0.000062%); highest among the groups gnomAD compares: South Asian, 0.0011%; no homozygotes.

Submission:

GeneDx
Classification: Uncertain significance. Last evaluated: 2019-06-13. Review status: criteria provided, single submitter. Criteria: GeneDx Variant Classification Process June 2021. Collection method: clinical testing. Allele origin: germline. Affected: yes.
Comment: Not observed in large population cohorts (Lek et al., 2016); In silico analysis, which includes protein predictors and evolutionary conservation, supports a deleterious effect; Has not been previously published as pathogenic or benign to our knowledge